The following is an entry in ClinVar:

NM_014049.5(ACAD9):c.1693-11G>A

Genes: ACAD9 (acyl-CoA dehydrogenase family member 9; plus strand), CFAP92 (cilia and flagella associated protein 92 (putative); minus strand). Cytogenetic location: 3q21.3.
Variant type: single nucleotide variant.
Coding change: c.1693-11G>A on transcript NM_014049.5 (MANE Select); 11 bases into the intron before coding-DNA position 1693, G replaced by A.
Molecular consequence: intron variant.
Genome position (GRCh38, 1-based): chr3:128,910,730, G>A. VCF-style: chr3-128910730-G-A. GRCh37 (hg19) VCF-style: chr3-128629573-G-A.
Other names: c.1324-11G>A (NM_001410805.1); c.2312-397C>T (NM_001348521.2); c.2408-397C>T (NM_001348520.2); c.3281-397C>T (NM_001394090.1).
Identifiers: ClinVar variation 1363014 (VCV001363014.7), dbSNP rs756996267, ClinGen allele CA82540963.
Genomic context (GRCh38, chr3:128,910,730, plus strand): 5'-CTGGGTTTTTGAAGCTCAGAGGTCTGATTCCAGGAATTTGGGCATATCTTTTCTGTCCTC[G>A]GTTCTGGCAGGTTCTCTTGGCCAACACCTTCTGCGTGGAAGCTTACTTGCAGAATCTCTT-3'

ClinVar aggregate classification (germline): Uncertain significance (1 of 4 stars; one submission).

Allele frequency attached by ClinVar (database versions not stated): gnomAD exomes below 0.00001; gnomAD 0.00001.
gnomAD v4.1: 8 of 1,614,044 alleles (0.0005%); highest among the groups gnomAD compares: African/African-American, 0.0013%; no homozygotes.

Submissions (2):

Labcorp Genetics (formerly Invitae), Labcorp
Classification: Uncertain significance. Last evaluated: 2022-06-04. Review status: criteria provided, single submitter. Criteria: Invitae Variant Classification Sherloc (09022015). Collection method: clinical testing. Allele origin: germline.
Comment: This sequence change falls in intron 16 of the ACAD9 gene. It does not directly change the encoded amino acid sequence of the ACAD9 protein. This variant is present in population databases (rs756996267, gnomAD 0.004%). This variant has not been reported in the literature in individuals affected with ACAD9-related conditions. ClinVar contains an entry for this variant (Variation ID: 1363014). Algorithms developed to predict the effect of sequence changes on RNA splicing suggest that this variant may disrupt the consensus splice site. In summary, the available evidence is currently insufficient to determine the role of this variant in disease. Therefore, it has been classified as a Variant of Uncertain Significance.

Dr. Peter K. Rogan Lab, Western University
No classification provided (evidence only). Condition: Malignant tumor of esophagus. Review status: no classification provided. Collection method: in vitro. Allele origin: not applicable. Functional consequence: skipped exon, retained intron. Not counted in ClinVar's aggregate classification.